The following is an entry in ClinVar:

NM_014671.3(UBE3C):c.2230A>G (p.Asn744Asp)

Gene: UBE3C (ubiquitin protein ligase E3C; plus strand). Cytogenetic location: 7q36.3.
Variant type: single nucleotide variant.
Coding change: c.2230A>G on transcript NM_014671.3 (MANE Select); coding-DNA position 2230, A replaced by G.
Protein change: p.Asn744Asp; replaces asparagine 744 with aspartic acid.
Molecular consequence: missense variant.
Genome position (GRCh38, 1-based): chr7:157,225,536, A>G. VCF-style: chr7-157225536-A-G. GRCh37 (hg19) VCF-style: chr7-157018230-A-G.
Other names: short protein forms N744D.
Identifiers: ClinVar variation 3051093 (VCV003051093.2), dbSNP rs1795852301, ClinGen allele CA370154522.
Genomic context (GRCh38, chr7:157,225,536, plus strand): 5'-AATGTCACAATAAGAAGAAATTACATTTATGAAGATGCTTATGACAAACTTTCTCCAGAA[A>G]ATGGTATATATAATTCTTTCTGTGTATTATTTGGCAGGTGGAGGCTAGGGAATTGTTTTA-3'
Protein context (NP_055486.2, residues 734-754): EDAYDKLSPE[Asn744Asp]EPDLKKRIRV

ClinVar aggregate classification (germline): Uncertain significance (0 of 4 stars; one submission).

Conditions:
UBE3C-related disorder. Also called: UBE3C-related condition.

Allele frequency attached by ClinVar (database versions not stated): gnomAD exomes 0.00001.
gnomAD v4.1: 3 of 1,584,444 alleles (0.00019%); highest among the groups gnomAD compares: African/African-American, 0.0014%; no homozygotes.

Submission:

PreventionGenetics, part of Exact Sciences
Classification: Uncertain significance for UBE3C-related condition. Last evaluated: 2023-12-22. Review status: no assertion criteria provided. Collection method: clinical testing. Allele origin: germline.
Comment: The UBE3C c.2230A>G variant is predicted to result in the amino acid substitution p.Asn744Asp. To our knowledge, this variant has not been reported in the literature or in a large population database, indicating this variant is rare. At this time, the clinical significance of this variant is uncertain due to the absence of conclusive functional and genetic evidence.